The following is an entry in ClinVar:

NM_005652.5(TERF2):c.380-5C>T

Gene: TERF2 (telomeric repeat binding factor 2; minus strand). Cytogenetic location: 16q22.1.
Variant type: single nucleotide variant.
Coding change: c.380-5C>T on transcript NM_005652.5 (MANE Select); 5 bases into the intron before coding-DNA position 380, C replaced by T.
Molecular consequence: intron variant.
Genome position (GRCh38, 1-based): chr16:69,385,491, G>A on the plus strand (C>T on the coding strand, the complement: TERF2 is on the minus strand). VCF-style: chr16-69385491-G-A. GRCh37 (hg19) VCF-style: chr16-69419394-G-A.
Other names: c.380-5C>T (NM_005652.4).
Identifiers: ClinVar variation 1235039 (VCV001235039.6), dbSNP rs34415214, ClinGen allele CA8134961.

ClinVar aggregate classification (germline): Benign. Review status: criteria provided, multiple submitters, no conflicts (2 of 4 stars). 3 submissions from 3 submitters: Benign (2). 1 of the submissions does not count toward it. Last evaluated 2019-06-15.

Conditions:
TERF2-related disorder. Also called: TERF2-related condition.

Allele frequency attached by ClinVar (database versions not stated): 1000 Genomes Project 0.03974; 1000 Genomes Project 30x 0.04029; gnomAD 0.04403 and 0.04444; ESP Exome Variant Server 0.04586; TOPMed 0.04657.
gnomAD v4.1: 96,969 of 1,613,890 alleles (6%); highest among the groups gnomAD compares: South Asian, 7.9%; 3,309 homozygotes.

Submissions (3):

GeneDx
Classification: Benign. Last evaluated: 2019-06-15. Review status: criteria provided, single submitter. Criteria: GeneDx Variant Classification Process June 2021. Collection method: clinical testing. Allele origin: germline. Affected: yes.

Breakthrough Genomics
Classification: Benign. Review status: criteria provided, single submitter. Criteria: ACMG Guidelines, 2015. Collection method: not provided. Allele origin: germline. Inheritance: Unknown mechanism. Affected: yes.

PreventionGenetics, part of Exact Sciences
Classification: Benign for TERF2-related condition. Last evaluated: 2019-10-21. Review status: no assertion criteria provided. Collection method: clinical testing. Allele origin: germline. Not counted in ClinVar's aggregate classification.
Comment: This variant is classified as benign based on ACMG/AMP sequence variant interpretation guidelines (Richards et al. 2015 PMID: 25741868, with internal and published modifications).